The following is an entry in ClinVar:

NM_000075.4(CDK4):c.104A>T (p.Lys35Met)

Gene: CDK4 (cyclin dependent kinase 4; minus strand). Cytogenetic location: 12q14.1.
Variant type: single nucleotide variant.
Coding change: c.104A>T on transcript NM_000075.4 (MANE Select); coding-DNA position 104, A replaced by T.
Protein change: p.Lys35Met; replaces lysine 35 with methionine.
Molecular consequence: missense variant.
Genome position (GRCh38, 1-based): chr12:57,751,614, T>A on the plus strand (A>T on the coding strand, the complement: CDK4 is on the minus strand). VCF-style: chr12-57751614-T-A. GRCh37 (hg19) VCF-style: chr12-58145397-T-A.
Other names: short protein forms K35M.
Identifiers: ClinVar variation 2566773 (VCV002566773.3), dbSNP rs2140388477, ClinGen allele CA385548862.

ClinVar aggregate classification (germline): Uncertain significance. Review status: criteria provided, multiple submitters, no conflicts (2 of 4 stars). 2 submissions from 2 submitters: Uncertain significance (2). Last evaluated 2025-07-29.

Conditions:
Hereditary cancer-predisposing syndrome. Also called: Hereditary neoplastic syndrome; Hereditary Cancer Syndrome; Neoplastic Syndromes, Hereditary; Tumor predisposition. Identifiers: Orphanet 140162, MedGen C0027672, MeSH D009386, MONDO:0015356.
Familial melanoma. Also called: Hereditary melanoma; Hereditary cutaneous melanoma. Identifiers: Orphanet 618, MedGen C1512419, MONDO:0018961.

gnomAD v4.1: 1 of 1,614,176 alleles (0.000062%); highest among the groups gnomAD compares: Non-Finnish European, 0.000085%; no homozygotes.

Submissions (2):

Labcorp Genetics (formerly Invitae), Labcorp
Classification: Uncertain significance for Familial melanoma. Last evaluated: 2025-07-29. Review status: criteria provided, single submitter. Criteria: Invitae Variant Classification Sherloc (09022015). Collection method: clinical testing. Allele origin: germline.
Comment: This sequence change replaces lysine, which is basic and polar, with methionine, which is neutral and non-polar, at codon 35 of the CDK4 protein (p.Lys35Met). This variant is not present in population databases (gnomAD no frequency). This variant has not been reported in the literature in individuals affected with CDK4-related conditions. ClinVar contains an entry for this variant (Variation ID: 2566773). Invitae Evidence Modeling of protein sequence and biophysical properties (such as structural, functional, and spatial information, amino acid conservation, physicochemical variation, residue mobility, and thermodynamic stability) indicates that this missense variant is expected to disrupt CDK4 protein function with a positive predictive value of 95%. In summary, the available evidence is currently insufficient to determine the role of this variant in disease. Therefore, it has been classified as a Variant of Uncertain Significance.

Ambry Genetics
Classification: Uncertain significance for Hereditary cancer-predisposing syndrome. Last evaluated: 2023-05-11. Review status: criteria provided, single submitter. Criteria: Ambry Variant Classification Scheme 2023. Collection method: clinical testing. Allele origin: germline.
Comment: The p.K35M variant (also known as c.104A>T), located in coding exon 1 of the CDK4 gene, results from an A to T substitution at nucleotide position 104. The lysine at codon 35 is replaced by methionine, an amino acid with similar properties. This amino acid position is highly conserved in available vertebrate species. In addition, this alteration is predicted to be deleterious by in silico analysis. Since supporting evidence is limited at this time, the clinical significance of this alteration remains unclear.